The following is an entry in ClinVar:

NM_001009944.3(PKD1):c.11389dup (p.Tyr3797fs)

Genes: PKD1 (polycystin 1, transient receptor potential channel interacting; minus strand), PKD1-AS1 (PKD1 antisense RNA 1; plus strand). Cytogenetic location: 16p13.3.
Variant type: Duplication.
Coding change: c.11389dup on transcript NM_001009944.3 (MANE Select); coding-DNA position 11389, one base duplicated (T; older notation c.11389dupT).
Protein change: p.Tyr3797fs; shifts the reading frame from tyrosine 3797.
Molecular consequence: frameshift variant.
Genome position (GRCh38, 1-based): chr16:2,092,069, A duplicated on the plus strand (T on the coding strand, the reverse complement: PKD1 is on the minus strand). VCF-style (leftmost placement, unchanged base first): chr16-2092068-T-TA. GRCh37 (hg19) VCF-style: chr16-2142069-T-TA.
Other names: c.11386dup, p.Tyr3796fs (NM_000296.4); short protein forms Y3796fs, Y3797fs.
Identifiers: ClinVar variation 3256656 (VCV003256656.1).

ClinVar aggregate classification (germline): Pathogenic (1 of 4 stars; one submission).

Conditions:
Polycystic kidney disease, adult type (PKD1). Also called: Polycystic Kidney Disease 1, Autosomal Dominant; Polycystic kidney disease 1; Polycystic kidney disease 1, severe; POLYCYSTIC KIDNEY DISEASE, ADULT, TYPE I; Polycystic Kidney, Autosomal Dominant; POLYCYSTIC KIDNEY DISEASE 1 WITH OR WITHOUT POLYCYSTIC LIVER DISEASE. Identifiers: MedGen C3149841, MONDO:0008263, OMIM 173900.

Submission:

MVZ Medizinische Genetik Mainz
Classification: Pathogenic for Polycystic kidney disease, adult type. Last evaluated: 2024-07-09. Review status: criteria provided, single submitter. Criteria: UK Practice Guidelines For Variant Classification V4 01 2020. Collection method: clinical testing. Allele origin: germline. Inheritance: Autosomal dominant inheritance. Affected: yes. Observed: 1 variant allele.
Comment: ACMG Criteria: PVS1,PM2_SUP,PP4